The following is an entry in ClinVar:

NM_000355.4(TCN2):c.353T>G (p.Phe118Cys)

Gene: TCN2 (transcobalamin 2; plus strand). Cytogenetic location: 22q12.2.
Variant type: single nucleotide variant.
Coding change: c.353T>G on transcript NM_000355.4 (MANE Select); coding-DNA position 353, T replaced by G.
Protein change: p.Phe118Cys; replaces phenylalanine 118 with cysteine.
Molecular consequence: missense variant. On other transcripts: intron variant (1).
Genome position (GRCh38, 1-based): chr22:30,612,968, T>G. VCF-style: chr22-30612968-T-G. GRCh37 (hg19) VCF-style: chr22-31008955-T-G.
Other names: c.346+7T>G (NM_001184726.2); short protein forms F118C.
Identifiers: ClinVar variation 1356577 (VCV001356577.6), dbSNP rs199728304, ClinGen allele CA411208781.
Genomic context (GRCh38, chr22:30,612,968, plus strand): 5'-GCAAGCCTTCCATGGGCCAGCTGGCCCTCTACCTGCTCGCTCTCAGAGCCAACTGTGAGT[T>G]TGTCAGGGGCCACAAGGGGGACAGGCTGGTCTCACAGCTCAAATGGTTCCTGGAGGATGA-3'
Protein context (NP_000346.2, residues 108-128): YLLALRANCE[Phe118Cys]VRGHKGDRLV

ClinVar aggregate classification (germline): Uncertain significance (1 of 4 stars; one submission).

Conditions:
Transcobalamin II deficiency (TCN2D). Also called: Transcolabamin II deficiency; TC II DEFICIENCY; TCN2 DEFICIENCY. Identifiers: Orphanet 859, MedGen C0342701, MONDO:0010149, OMIM 275350.

Submission:

Labcorp Genetics (formerly Invitae), Labcorp
Classification: Uncertain significance for Transcobalamin II deficiency. Last evaluated: 2022-08-15. Review status: criteria provided, single submitter. Criteria: Invitae Variant Classification Sherloc (09022015). Collection method: clinical testing. Allele origin: germline.
Comment: In summary, the available evidence is currently insufficient to determine the role of this variant in disease. Therefore, it has been classified as a Variant of Uncertain Significance. Algorithms developed to predict the effect of missense changes on protein structure and function are either unavailable or do not agree on the potential impact of this missense change (SIFT: "Tolerated"; PolyPhen-2: "Possibly Damaging"; Align-GVGD: "Class C0"). ClinVar contains an entry for this variant (Variation ID: 1356577). This variant has not been reported in the literature in individuals affected with TCN2-related conditions. This variant is present in population databases (no rsID available, gnomAD 0.006%). This sequence change replaces phenylalanine, which is neutral and non-polar, with cysteine, which is neutral and slightly polar, at codon 118 of the TCN2 protein (p.Phe118Cys).